The following is an entry in ClinVar:

NM_001013663.2(PTRHD1):c.42G>C (p.Lys14Asn)

Genes: PTRHD1 (peptidyl-tRNA hydrolase domain containing 1; minus strand), LOC129933272 (ATAC-STARR-seq lymphoblastoid active region 15435; plus strand). Cytogenetic location: 2p23.3.
Variant type: single nucleotide variant.
Coding change: c.42G>C on transcript NM_001013663.2 (MANE Select); coding-DNA position 42, G replaced by C.
Protein change: p.Lys14Asn; replaces lysine 14 with asparagine.
Molecular consequence: missense variant.
Genome position (GRCh38, 1-based): chr2:24,793,336, C>G on the plus strand (G>C on the coding strand, the complement: PTRHD1 is on the minus strand). VCF-style: chr2-24793336-C-G. GRCh37 (hg19) VCF-style: chr2-25016205-C-G.
Other names: short protein forms K14N.
Identifiers: ClinVar variation 3031468 (VCV003031468.2), dbSNP rs748060375, ClinGen allele CA1553003.
Genomic context (GRCh38, chr2:24,793,336, plus strand): 5'-ATCCTTTCGTAACACCAAGTATTGTACCAGGACCTGCGGCTCCGCCCCAGAGGCCGCCAT[C>G]TTCCTGACCACCCGAAAGGCCGGACCTACTCCCCGGTGCATCTTGGGATCAGGGCGGGGC-3'
Protein context (NP_001013685.1, residues 4-24): GVGPAFRVVR[Lys14Asn]MAASGAEPQV

ClinVar aggregate classification (germline): Uncertain significance (0 of 4 stars; one submission).

Conditions:
PTRHD1-related disorder. Also called: PTRHD1-related condition.

Submission:

PreventionGenetics, part of Exact Sciences
Classification: Uncertain significance for PTRHD1-related condition. Last evaluated: 2024-02-08. Review status: no assertion criteria provided. Collection method: clinical testing. Allele origin: germline.
Comment: The PTRHD1 c.42G>C variant is predicted to result in the amino acid substitution p.Lys14Asn. To our knowledge, this variant has not been reported in the literature. This variant is reported in 0.0065% of alleles in individuals of South Asian descent in gnomAD. At this time, the clinical significance of this variant is uncertain due to the absence of conclusive functional and genetic evidence.